The following is an entry in ClinVar:

NM_003119.4(SPG7):c.942G>C (p.Met314Ile)

Gene: SPG7 (SPG7 matrix AAA peptidase subunit, paraplegin; plus strand). Cytogenetic location: 16q24.3.
Variant type: single nucleotide variant.
Coding change: c.942G>C on transcript NM_003119.4 (MANE Select); coding-DNA position 942, G replaced by C.
Protein change: p.Met314Ile; replaces methionine 314 with isoleucine.
Molecular consequence: missense variant.
Genome position (GRCh38, 1-based): chr16:89,530,763, G>C. VCF-style: chr16-89530763-G-C. GRCh37 (hg19) VCF-style: chr16-89597171-G-C.
Other names: c.942G>C, p.Met314Ile (NM_001363850.1, NM_199367.3); short protein forms M314I.
Identifiers: ClinVar variation 2732427 (VCV002732427.4), dbSNP rs780596661, ClinGen allele CA8243851.
Genomic context (GRCh38, chr16:89,530,763, plus strand): 5'-TTTCACCATTGTGGATGGGAAGATGGGGAAAGGAGTCAGCTTCAAAGACGTGGCAGGAAT[G>C]CACGAAGCCAAACTGGAAGTCCGCGAGTTTGTGGATTATCTGAAGGTGAAAGCAGCGTGG-3'
Protein context (NP_003110.1, residues 304-324): KGVSFKDVAG[Met314Ile]HEAKLEVREF

ClinVar aggregate classification (germline): Uncertain significance. Review status: criteria provided, multiple submitters, no conflicts (2 of 4 stars). 2 submissions from 2 submitters: Uncertain significance (2). Last evaluated 2023-12-11.

Conditions:
Hereditary spastic paraplegia 7 (SPG7). Also called: Autosomal recessive spastic paraplegia type 7; Spastic paraplegia 7; Hereditary spastic paraplegia Paraplegin type; SPASTIC PARAPLEGIA 7, AUTOSOMAL RECESSIVE, WITH OR WITHOUT CEREBELLAR ATAXIA; SPG7-related neurologic disorder. Identifiers: Orphanet 99013, MedGen C1846564, MONDO:0011803, OMIM 607259.

Allele frequency attached by ClinVar (database versions not stated): ExAC 0.00001; gnomAD 0.00001.
gnomAD v4.1: 29 of 1,614,090 alleles (0.0018%); highest among the groups gnomAD compares: Non-Finnish European, 0.0025%; no homozygotes.

Submissions (2):

Labcorp Genetics (formerly Invitae), Labcorp
Classification: Uncertain significance for Hereditary spastic paraplegia 7. Last evaluated: 2023-12-11. Review status: criteria provided, single submitter. Criteria: Invitae Variant Classification Sherloc (09022015). Collection method: clinical testing. Allele origin: germline.
Comment: This sequence change replaces methionine, which is neutral and non-polar, with isoleucine, which is neutral and non-polar, at codon 314 of the SPG7 protein (p.Met314Ile). This variant is present in population databases (rs780596661, gnomAD 0.002%). This variant has not been reported in the literature in individuals affected with SPG7-related conditions. Advanced modeling of protein sequence and biophysical properties (such as structural, functional, and spatial information, amino acid conservation, physicochemical variation, residue mobility, and thermodynamic stability) performed at Invitae indicates that this missense variant is not expected to disrupt SPG7 protein function with a negative predictive value of 80%. In summary, the available evidence is currently insufficient to determine the role of this variant in disease. Therefore, it has been classified as a Variant of Uncertain Significance.

Blueprint Genetics
Classification: Uncertain significance. Last evaluated: 2021-11-01. Review status: criteria provided, single submitter. Criteria: ACMG Guidelines, 2015. Collection method: clinical testing. Allele origin: germline.